The following is an entry in ClinVar:

ClinVar aggregate classification (germline): Uncertain significance (1 of 4 stars; one submission).

Submission:

Labcorp Genetics (formerly Invitae), Labcorp
Classification: Uncertain significance. Last evaluated: 2025-07-23. Review status: criteria provided, single submitter. Criteria: Invitae Variant Classification Sherloc (09022015). Collection method: clinical testing. Allele origin: germline.
Comment: This sequence change replaces glycine, which is neutral and non-polar, with serine, which is neutral and polar, at codon 525 of the CLCN7 protein (p.Gly525Ser). This variant is not present in population databases (gnomAD no frequency). This variant has not been reported in the literature in individuals affected with CLCN7-related conditions. Invitae Evidence Modeling of protein sequence and biophysical properties (such as structural, functional, and spatial information, amino acid conservation, physicochemical variation, residue mobility, and thermodynamic stability) indicates that this missense variant is expected to disrupt CLCN7 protein function with a positive predictive value of 95%. In summary, the available evidence is currently insufficient to determine the role of this variant in disease. Therefore, it has been classified as a Variant of Uncertain Significance.

NM_001287.6(CLCN7):c.1573G>A (p.Gly525Ser)

Gene: CLCN7 (Cl-/H+ antiporter 7; minus strand). Cytogenetic location: 16p13.3.
Variant type: single nucleotide variant.
Coding change: c.1573G>A on transcript NM_001287.6 (MANE Select); coding-DNA position 1573, G replaced by A.
Protein change: p.Gly525Ser; replaces glycine 525 with serine.
Molecular consequence: missense variant.
Genome position (GRCh38, 1-based): chr16:1,450,541, C>T on the plus strand (G>A on the coding strand, the complement: CLCN7 is on the minus strand). VCF-style: chr16-1450541-C-T. GRCh37 (hg19) VCF-style: chr16-1500542-C-T.
Other names: c.1501G>A, p.Gly501Ser (NM_001114331.3); short protein forms G501S, G525S.
Identifiers: ClinVar variation 4802816 (VCV004802816.1).